The following is an entry in ClinVar:

ClinVar aggregate classification (germline): Uncertain significance. Review status: criteria provided, multiple submitters, no conflicts (2 of 4 stars). 2 submissions from 2 submitters: Uncertain significance (2). Last evaluated 2024-04-15.

Conditions:
Familial adenomatous polyposis 1 (FAP1). Also called: FAMILIAL ADENOMATOUS POLYPOSIS 1, ATTENUATED; POLYPOSIS, ADENOMATOUS INTESTINAL. Identifiers: MedGen C2713442, MONDO:0021056, OMIM 175100. Disease mechanism: loss of function.
Hereditary cancer-predisposing syndrome. Also called: Hereditary neoplastic syndrome; Tumor predisposition; Neoplastic Syndromes, Hereditary; Hereditary Cancer Syndrome. Identifiers: Orphanet 140162, MedGen C0027672, MeSH D009386, MONDO:0015356.

Submissions (2):

Labcorp Genetics (formerly Invitae), Labcorp
Classification: Uncertain significance for Familial adenomatous polyposis 1. Last evaluated: 2024-04-15. Review status: criteria provided, single submitter. Criteria: Invitae Variant Classification Sherloc (09022015). Collection method: clinical testing. Allele origin: germline.
Comment: This sequence change replaces isoleucine, which is neutral and non-polar, with threonine, which is neutral and polar, at codon 1849 of the APC protein (p.Ile1849Thr). This variant is not present in population databases (gnomAD no frequency). This variant has not been reported in the literature in individuals affected with APC-related conditions. ClinVar contains an entry for this variant (Variation ID: 654506). Advanced modeling of protein sequence and biophysical properties (such as structural, functional, and spatial information, amino acid conservation, physicochemical variation, residue mobility, and thermodynamic stability) performed at Invitae indicates that this missense variant is not expected to disrupt APC protein function with a negative predictive value of 95%. In summary, the available evidence is currently insufficient to determine the role of this variant in disease. Therefore, it has been classified as a Variant of Uncertain Significance.

Ambry Genetics
Classification: Uncertain significance for Hereditary cancer-predisposing syndrome. Last evaluated: 2020-07-08. Review status: criteria provided, single submitter. Criteria: Ambry Variant Classification Scheme 2023. Collection method: clinical testing. Allele origin: germline.
Comment: The p.I1849T variant (also known as c.5546T>C), located in coding exon 15 of the APC gene, results from a T to C substitution at nucleotide position 5546. The isoleucine at codon 1849 is replaced by threonine, an amino acid with similar properties. This amino acid position is highly conserved in available vertebrate species. In addition, in silico predictors for this gene do not accurately predict pathogenicity. Since supporting evidence is limited at this time, the clinical significance of this alteration remains unclear.

NM_000038.6(APC):c.5546T>C (p.Ile1849Thr)

Gene: APC (APC regulator of Wnt signaling pathway; plus strand). Cytogenetic location: 5q22.2.
Variant type: single nucleotide variant.
Coding change: c.5546T>C on transcript NM_000038.6 (MANE Select); coding-DNA position 5546, T replaced by C.
Protein change: p.Ile1849Thr; replaces isoleucine 1849 with threonine.
Molecular consequence: missense variant.
Genome position (GRCh38, 1-based): chr5:112,841,140, T>C. VCF-style: chr5-112841140-T-C. GRCh37 (hg19) VCF-style: chr5-112176837-T-C.
Other names: c.5546T>C, p.Ile1849Thr (NM_001127510.3, NM_001354895.2); c.5492T>C, p.Ile1831Thr (NM_001127511.3); c.5600T>C, p.Ile1867Thr (NM_001354896.2); c.5576T>C, p.Ile1859Thr (NM_001354897.2); c.5471T>C, p.Ile1824Thr (NM_001354898.2); c.5462T>C, p.Ile1821Thr (NM_001354899.2); c.5423T>C, p.Ile1808Thr (NM_001354900.2); c.5369T>C, p.Ile1790Thr (NM_001354901.2); and 5 more; short protein forms I1758T, I1849T, I1859T, I1566T, I1748T, I1790T, I1808T, I1821T.
Identifiers: ClinVar variation 654506 (VCV000654506.12), dbSNP rs1580661294, ClinGen allele CA16033465.
Genomic context (GRCh38, chr5:112,841,140, plus strand): 5'-ATAATGAAGATAGAGTCAGAGGAAGTTTTGCTTTTGATTCACCTCATCATTACACGCCTA[T>C]TGAAGGAACTCCTTACTGTTTTTCACGAAATGATTCTTTGAGTTCTCTAGATTTTGATGA-3'
Protein context (NP_000029.2, residues 1839-1859): AFDSPHHYTP[Ile1849Thr]EGTPYCFSRN